The following is an entry in ClinVar:

ClinVar aggregate classification (germline): Likely benign (0 of 4 stars; one submission).

Conditions:
LYRM4-related disorder. Also called: LYRM4-related condition.

Allele frequency attached by ClinVar (database versions not stated): gnomAD exomes below 0.00001.
gnomAD v4.1: 1 of 1,613,908 alleles (0.000062%); highest among the groups gnomAD compares: South Asian, 0.0011%; no homozygotes.

Submission:

PreventionGenetics, part of Exact Sciences
Classification: Likely benign for LYRM4-related condition. Last evaluated: 2019-04-24. Review status: no assertion criteria provided. Collection method: clinical testing. Allele origin: germline.
Comment: This variant is classified as likely benign based on ACMG/AMP sequence variant interpretation guidelines (Richards et al. 2015 PMID: 25741868, with internal and published modifications).

NM_020408.6(LYRM4):c.*9G>A

Genes: LYRM4 (LYR motif containing 4; minus strand), LYRM4-AS1 (LYRM4 antisense RNA 1; plus strand). Cytogenetic location: 6p25.1.
Variant type: single nucleotide variant.
Coding change: c.*9G>A on transcript NM_020408.6 (MANE Select); 9 bases downstream of the stop codon, G replaced by A.
Molecular consequence: 3 prime UTR variant. On other transcripts: non-coding transcript variant (2), intron variant (1).
Genome position (GRCh38, 1-based): chr6:5,109,414, C>T on the plus strand (G>A on the coding strand, the complement: LYRM4 is on the minus strand). VCF-style: chr6-5109414-C-T. GRCh37 (hg19) VCF-style: chr6-5109648-C-T.
Other names: c.*119G>A (NM_001164841.3); c.208-40748G>A (NM_001318783.1).
Identifiers: ClinVar variation 3058185 (VCV003058185.2), dbSNP rs2481028670, ClinGen allele CA2677176643.
Genomic context (GRCh38, chr6:5,109,414, plus strand): 5'-CCCATCTCAAACAGAGAGTGGATGCTGAAGGTGGTCCCTGGCCGCCACTGGTGGCTGGTC[C>T]CCGGCTTGCTAGGTCCTGGGCATGTCTCGATTCTCAATGATCAGCTTGTCAGTTGAATAC-3'